The following is an entry in ClinVar:

ClinVar aggregate classification (germline): Uncertain significance. Review status: criteria provided, multiple submitters, no conflicts (2 of 4 stars). 2 submissions from 2 submitters: Uncertain significance (2). Last evaluated 2024-06-24.

Conditions:
Cardiomyopathy (CMYO). Also called: Cardiomyopathies. Identifiers: Orphanet 167848, MedGen C0878544, MONDO:0004994, HP:0001638. Inheritance: Various modes of inheritance.
Arrhythmogenic right ventricular dysplasia 11. Also called: Arrhythmogenic Right Ventricular Dysplasia/Cardiomyopathy11; ARRHYTHMOGENIC RIGHT VENTRICULAR DYSPLASIA, FAMILIAL, 11; Arrhythmogenic right ventricular dysplasia 11 with mild palmoplantar keratoderma and woolly hair. Identifiers: MedGen C1864850, MONDO:0012506, OMIM 610476.

Allele frequency attached by ClinVar (database versions not stated): TOPMed 0.00001; gnomAD exomes below 0.00001.
gnomAD v4.1: 1 of 1,611,204 alleles (0.000062%); highest among the groups gnomAD compares: Admixed American, 0.0017%; no homozygotes.

Submissions (2):

Labcorp Genetics (formerly Invitae), Labcorp
Classification: Uncertain significance for Arrhythmogenic right ventricular dysplasia 11. Last evaluated: 2024-06-24. Review status: criteria provided, single submitter. Criteria: Invitae Variant Classification Sherloc (09022015). Collection method: clinical testing. Allele origin: germline.
Comment: This sequence change replaces isoleucine, which is neutral and non-polar, with phenylalanine, which is neutral and non-polar, at codon 316 of the DSC2 protein (p.Ile316Phe). The frequency data for this variant in the population databases is considered unreliable, as metrics indicate poor data quality at this position in the gnomAD database. This variant has not been reported in the literature in individuals affected with DSC2-related conditions. ClinVar contains an entry for this variant (Variation ID: 928385). Advanced modeling of protein sequence and biophysical properties (such as structural, functional, and spatial information, amino acid conservation, physicochemical variation, residue mobility, and thermodynamic stability) performed at Invitae indicates that this missense variant is not expected to disrupt DSC2 protein function with a negative predictive value of 80%. In summary, the available evidence is currently insufficient to determine the role of this variant in disease. Therefore, it has been classified as a Variant of Uncertain Significance.

Color Diagnostics, LLC DBA Color Health
Classification: Uncertain significance for Cardiomyopathy. Last evaluated: 2023-12-05. Review status: criteria provided, single submitter. Criteria: ACMG Guidelines, 2015. Collection method: clinical testing. Allele origin: germline.
Comment: Variant of Uncertain Significance due to insufficient evidence: This missense variant replaces isoleucine with phenylalanine at codon 316 of the DSC2 protein. Computational prediction tools and conservation analyses suggest that this variant may not impact the protein function. Computational splicing tools suggest that this variant may not impact RNA splicing. To our knowledge, functional assays have not been performed for this variant nor has this variant been reported in individuals affected with cardiovascular disorders in the literature. This variant has not been identified in the general population by the Genome Aggregation Database (gnomAD). Available evidence is insufficient to determine the role of this variant in disease conclusively.

NM_024422.6(DSC2):c.946A>T (p.Ile316Phe)

Gene: DSC2 (desmocollin 2; minus strand). Cytogenetic location: 18q12.1.
Variant type: single nucleotide variant.
Coding change: c.946A>T on transcript NM_024422.6 (MANE Select); coding-DNA position 946, A replaced by T.
Protein change: p.Ile316Phe; replaces isoleucine 316 with phenylalanine.
Molecular consequence: missense variant.
Genome position (GRCh38, 1-based): chr18:31,083,057, T>A on the plus strand (A>T on the coding strand, the complement: DSC2 is on the minus strand). VCF-style: chr18-31083057-T-A. GRCh37 (hg19) VCF-style: chr18-28663023-T-A.
Other names: c.946A>T, p.Ile316Phe (NM_004949.5); short protein forms I316F.
Identifiers: ClinVar variation 928385 (VCV000928385.13), dbSNP rs1233598092, ClinGen allele CA402111041.
Genomic context (GRCh38, chr18:31,083,057, plus strand): 5'-GTAGACCAAAATACTGACCATCCATGTCTTGTACTTTTATTTTCAACTGGTACTTGTCAA[T>A]TAACTGAAAACAAAAAAAGAATTTAATTATTGGGGGAAAGCACCAACATTATAATTGAAA-3'
Protein context (NP_077740.1, residues 306-326): TTSSQLDREL[Ile316Phe]DKYQLKIKVQ